The following is an entry in ClinVar:

NM_206933.4(USH2A):c.1236G>C (p.Trp412Cys)

Gene: USH2A (usherin; minus strand). Cytogenetic location: 1q41.
Variant type: single nucleotide variant.
Coding change: c.1236G>C on transcript NM_206933.4 (MANE Select); coding-DNA position 1236, G replaced by C.
Protein change: p.Trp412Cys; replaces tryptophan 412 with cysteine.
Molecular consequence: missense variant.
Genome position (GRCh38, 1-based): chr1:216,324,260, C>G on the plus strand (G>C on the coding strand, the complement: USH2A is on the minus strand). VCF-style: chr1-216324260-C-G. GRCh37 (hg19) VCF-style: chr1-216497602-C-G.
Other names: c.1236G>C, p.Trp412Cys (NM_007123.6); short protein forms W412C.
Identifiers: ClinVar variation 954918 (VCV000954918.15), dbSNP rs757525434, ClinGen allele CA1396567.

ClinVar aggregate classification (germline): Conflicting classifications of pathogenicity. Review status: criteria provided, conflicting classifications (1 of 4 stars). 5 submissions from 5 submitters: Pathogenic (1); Likely pathogenic (2); Uncertain significance (1). 1 of the submissions does not count toward it. Last evaluated 2025-07-03.

Conditions:
USH2A-related disorder. Also called: USH2A-related disorders; USH2A-related condition. Identifiers: MedGen CN239332.
Usher syndrome type 2A. Also called: RETINAL DISEASE IN USHER SYNDROME TYPE IIA, MODIFIER OF; USHER SYNDROME, TYPE IIA. Identifiers: Orphanet 231178, Orphanet 886, MedGen C1848634, MONDO:0010169, OMIM 276901.
Retinitis pigmentosa 39 (RP39). Identifiers: Orphanet 791, MedGen C3151138, MONDO:0013436, OMIM 613809.

Allele frequency attached by ClinVar (database versions not stated): gnomAD exomes below 0.00001 and 0.00001; ExAC 0.00001; TOPMed 0.00001.
gnomAD v4.1: 8 of 1,613,196 alleles (0.0005%); highest among the groups gnomAD compares: Non-Finnish European, 0.00068%; no homozygotes.

Submissions (5):

Women's Health and Genetics/Laboratory Corporation of America, LabCorp
Classification: Uncertain significance. Last evaluated: 2025-07-03. Review status: criteria provided, single submitter. Criteria: LabCorp Variant Classification Summary - May 2015. Collection method: clinical testing. Allele origin: germline.
Comment: Variant summary: USH2A c.1236G>C (p.Trp412Cys) results in a non-conservative amino acid change located in the Laminin, N-terminal domain (IPR008211) of the encoded protein sequence. Algorithms developed to predict the effect of missense changes on protein structure and function all suggest that this variant is likely to be disruptive. The variant allele was found at a frequency of 4e-06 in 249724 control chromosomes. c.1236G>C has been observed in individuals affected with Usher Syndrome (LCG inernal data). These data indicate that the variant may be associated with disease. To our knowledge, no experimental evidence demonstrating an impact on protein function has been reported. ClinVar contains an entry for this variant (Variation ID: 954918). Based on the evidence outlined above, the variant was classified as VUS-possibly pathogenic.

Labcorp Genetics (formerly Invitae), Labcorp
Classification: Pathogenic. Last evaluated: 2024-12-11. Review status: criteria provided, single submitter. Criteria: Invitae Variant Classification Sherloc (09022015). Collection method: clinical testing. Allele origin: germline.
Comment: This sequence change replaces tryptophan, which is neutral and slightly polar, with cysteine, which is neutral and slightly polar, at codon 412 of the USH2A protein (p.Trp412Cys). The frequency data for this variant in the population databases is considered unreliable, as metrics indicate poor data quality at this position in the gnomAD database. This missense change has been observed in individual(s) with clinical features of USH2A-related conditions (internal data). In at least one individual the data is consistent with being in trans (on the opposite chromosome) from a pathogenic variant. It has also been observed to segregate with disease in related individuals. ClinVar contains an entry for this variant (Variation ID: 954918). Invitae Evidence Modeling of protein sequence and biophysical properties (such as structural, functional, and spatial information, amino acid conservation, physicochemical variation, residue mobility, and thermodynamic stability) indicates that this missense variant is expected to disrupt USH2A protein function with a positive predictive value of 95%. For these reasons, this variant has been classified as Pathogenic.

Fulgent Genetics
Classification: Likely pathogenic for Usher syndrome type 2A; Retinitis pigmentosa 39. Last evaluated: 2024-06-14. Review status: criteria provided, single submitter. Criteria: ACMG Guidelines, 2015. Collection method: clinical testing. Allele origin: germline.

Blueprint Genetics
Classification: Likely pathogenic for USH2A-related disorders. Last evaluated: 2024-02-16. Review status: criteria provided, single submitter. Criteria: ACMG Guidelines, 2015. Collection method: clinical testing. Allele origin: germline. Affected: yes. Observed: 4 variant alleles.

Natera, Inc.
Classification: Uncertain significance for Usher syndrome type 2A. Last evaluated: 2020-09-29. Review status: no assertion criteria provided. Collection method: clinical testing. Allele origin: germline. Not counted in ClinVar's aggregate classification.